The following is an entry in ClinVar:

ClinVar aggregate classification (germline): Uncertain significance. Review status: criteria provided, multiple submitters, no conflicts (2 of 4 stars). 2 submissions from 2 submitters: Uncertain significance (2). Last evaluated 2023-09-15.

Conditions:
Inborn genetic diseases. Identifiers: MedGen C0950123, MeSH D030342.

Allele frequency attached by ClinVar (database versions not stated): gnomAD 0.00001; gnomAD exomes 0.00001; TOPMed 0.00001; ExAC 0.00002.
gnomAD v4.1: 8 of 1,613,838 alleles (0.0005%); highest among the groups gnomAD compares: East Asian, 0.0022%; no homozygotes.

Submissions (2):

Ambry Genetics
Classification: Uncertain significance for Inborn genetic diseases. Last evaluated: 2023-09-15. Review status: criteria provided, single submitter. Criteria: Ambry Variant Classification Scheme 2023. Collection method: clinical testing. Allele origin: germline.
Comment: The p.M84V variant (also known as c.250A>G), located in coding exon 3 of the RAD51 gene, results from an A to G substitution at nucleotide position 250. The methionine at codon 84 is replaced by valine, an amino acid with highly similar properties. This amino acid position is conserved. In addition, the in silico prediction for this alteration is inconclusive. Since supporting evidence is limited at this time, the clinical significance of this alteration remains unclear.

Labcorp Genetics (formerly Invitae), Labcorp
Classification: Uncertain significance. Last evaluated: 2022-07-15. Review status: criteria provided, single submitter. Criteria: Invitae Variant Classification Sherloc (09022015). Collection method: clinical testing. Allele origin: germline.
Comment: In summary, the available evidence is currently insufficient to determine the role of this variant in disease. Therefore, it has been classified as a Variant of Uncertain Significance. Algorithms developed to predict the effect of missense changes on protein structure and function are either unavailable or do not agree on the potential impact of this missense change (SIFT: "Deleterious"; PolyPhen-2: "Benign"; Align-GVGD: "Class C0"). This variant has not been reported in the literature in individuals affected with RAD51-related conditions. This variant is present in population databases (rs755778442, gnomAD 0.003%). This sequence change replaces methionine, which is neutral and non-polar, with valine, which is neutral and non-polar, at codon 84 of the RAD51 protein (p.Met84Val).

NM_002875.5(RAD51):c.250A>G (p.Met84Val)

Gene: RAD51 (RAD51 recombinase; plus strand). Cytogenetic location: 15q15.1.
Variant type: single nucleotide variant.
Coding change: c.250A>G on transcript NM_002875.5 (MANE Select); coding-DNA position 250, A replaced by G.
Protein change: p.Met84Val; replaces methionine 84 with valine.
Molecular consequence: missense variant. On other transcripts: intron variant (2).
Genome position (GRCh38, 1-based): chr15:40,706,201, A>G. VCF-style: chr15-40706201-A-G. GRCh37 (hg19) VCF-style: chr15-40998399-A-G.
Other names: c.250A>G, p.Met84Val (NM_001164270.2); c.347-2824A>G (NM_133487.4, NM_001164269.2); short protein forms M84V.
Identifiers: ClinVar variation 1792359 (VCV001792359.7), dbSNP rs755778442, ClinGen allele CA7483964.